The following is an entry in ClinVar:

ClinVar aggregate classification (germline): Uncertain significance (1 of 4 stars; one submission).

Allele frequency attached by ClinVar (database versions not stated): gnomAD exomes below 0.00001; TOPMed below 0.00001.
gnomAD v4.1: 2 of 1,613,962 alleles (0.00012%); highest among the groups gnomAD compares: Non-Finnish European, 0.00017%; no homozygotes.

Submission:

Labcorp Genetics (formerly Invitae), Labcorp
Classification: Uncertain significance. Last evaluated: 2022-03-11. Review status: criteria provided, single submitter. Criteria: Invitae Variant Classification Sherloc (09022015). Collection method: clinical testing. Allele origin: germline.
Comment: In summary, the available evidence is currently insufficient to determine the role of this variant in disease. Therefore, it has been classified as a Variant of Uncertain Significance. Algorithms developed to predict the effect of missense changes on protein structure and function are either unavailable or do not agree on the potential impact of this missense change (SIFT: "Not Available"; PolyPhen-2: "Possibly Damaging"; Align-GVGD: "Not Available"). This variant has not been reported in the literature in individuals affected with CEP250-related conditions. This variant is not present in population databases (gnomAD no frequency). This sequence change replaces alanine, which is neutral and non-polar, with serine, which is neutral and polar, at codon 705 of the CEP250 protein (p.Ala705Ser).

NM_007186.6(CEP250):c.2113G>T (p.Ala705Ser)

Genes: CEP250 (centrosomal protein 250; plus strand), CEP250-AS1 (CEP250 antisense RNA 1; minus strand). Cytogenetic location: 20q11.22.
Variant type: single nucleotide variant.
Coding change: c.2113G>T on transcript NM_007186.6 (MANE Select); coding-DNA position 2113, G replaced by T.
Protein change: p.Ala705Ser; replaces alanine 705 with serine.
Molecular consequence: missense variant.
Genome position (GRCh38, 1-based): chr20:35,479,249, G>T. VCF-style: chr20-35479249-G-T. GRCh37 (hg19) VCF-style: chr20-34067074-G-T.
Other names: c.217G>T, p.Ala73Ser (NM_001318219.1); short protein forms A705S, A73S.
Identifiers: ClinVar variation 2099396 (VCV002099396.4), dbSNP rs2063267698, ClinGen allele CA408768462.